The following is an entry in ClinVar:

NM_006265.3(RAD21):c.384T>A (p.Asp128Glu)

Gene: RAD21 (RAD21 cohesin complex component; minus strand). Cytogenetic location: 8q24.11.
Variant type: single nucleotide variant.
Coding change: c.384T>A on transcript NM_006265.3 (MANE Select); coding-DNA position 384, T replaced by A.
Protein change: p.Asp128Glu; replaces aspartic acid 128 with glutamic acid.
Molecular consequence: missense variant.
Genome position (GRCh38, 1-based): chr8:116,858,449, A>T on the plus strand (T>A on the coding strand, the complement: RAD21 is on the minus strand). VCF-style: chr8-116858449-A-T. GRCh37 (hg19) VCF-style: chr8-117870688-A-T.
Other names: short protein forms D128E.
Identifiers: ClinVar variation 5002055 (VCV005002055.1).

ClinVar aggregate classification (germline): Uncertain significance (1 of 4 stars; one submission).

Conditions:
RAD21-related disorder. Also called: RAD21-related condition; RAD21- Related disorders.

Submission:

PreventionGenetics, part of Exact Sciences
Classification: Uncertain significance for RAD21-related condition. Last evaluated: 2024-11-27. Review status: criteria provided, single submitter. Criteria: ACMG Guidelines, 2015. Collection method: clinical testing. Allele origin: germline.
Comment: The RAD21 c.384T>A variant is predicted to result in the amino acid substitution p.Asp128Glu. To our knowledge, this variant has not been reported in the literature or in a large population database (gnomAD), indicating this variant is rare. At this time, the clinical significance of this variant is uncertain due to the absence of conclusive functional and genetic evidence.